The following is an entry in ClinVar:

ClinVar aggregate classification (germline): Uncertain significance (1 of 4 stars; one submission).

Submission:

GeneDx
Classification: Uncertain significance. Last evaluated: 2024-03-15. Review status: criteria provided, single submitter. Criteria: GeneDx Variant Classification Process June 2021. Collection method: clinical testing. Allele origin: germline. Affected: yes.
Comment: Not observed at significant frequency in large population cohorts (gnomAD); In silico analysis supports that this missense variant does not alter protein structure/function; Has not been previously published as pathogenic or benign to our knowledge

NM_001127222.2(CACNA1A):c.6635A>G (p.His2212Arg)

Gene: CACNA1A (calcium voltage-gated channel subunit alpha1 A; minus strand). Cytogenetic location: 19p13.13.
Variant type: single nucleotide variant.
Coding change: c.6635A>G on transcript NM_001127222.2 (MANE Select); coding-DNA position 6635, A replaced by G.
Protein change: p.His2212Arg; replaces histidine 2212 with arginine.
Molecular consequence: missense variant.
Genome position (GRCh38, 1-based): chr19:13,208,901, T>C on the plus strand (A>G on the coding strand, the complement: CACNA1A is on the minus strand). VCF-style: chr19-13208901-T-C. GRCh37 (hg19) VCF-style: chr19-13319715-T-C.
Other names: c.6653A>G, p.His2218Arg (NM_000068.4, NM_023035.3); c.6638A>G, p.His2213Arg (NM_001127221.2); c.6644A>G, p.His2215Arg (NM_001174080.2); short protein forms H2212R, H2213R, H2215R, H2218R.
Identifiers: ClinVar variation 3370953 (VCV003370953.1).
Genomic context (GRCh38, chr19:13,208,901, plus strand): 5'-CGTTCCTGGGCATAGCGGTCCTTGTCGGGGGGCGGGGGATGGTGGTGGTGGTGGTGGTGG[T>C]GGTGGTGCTGTCGATGCTTCCGATCCTTGGGCCGGCCCCGCTCCTGGTCCCGCTCCTTCG-3'
Protein context (NP_001120694.1, residues 2202-2222): PKDRKHRQHH[His2212Arg]HHHHHHHPPP